The following is an entry in ClinVar:

NM_006415.4(SPTLC1):c.1199A>G (p.Glu400Gly)

Gene: SPTLC1 (serine palmitoyltransferase long chain base subunit 1; minus strand). Cytogenetic location: 9q22.31.
Variant type: single nucleotide variant.
Coding change: c.1199A>G on transcript NM_006415.4 (MANE Select); coding-DNA position 1199, A replaced by G.
Protein change: p.Glu400Gly; replaces glutamic acid 400 with glycine.
Molecular consequence: missense variant.
Genome position (GRCh38, 1-based): chr9:92,038,303, T>C on the plus strand (A>G on the coding strand, the complement: SPTLC1 is on the minus strand). VCF-style: chr9-92038303-T-C. GRCh37 (hg19) VCF-style: chr9-94800585-T-C.
Other names: c.1199A>G, p.Glu400Gly (NM_001281303.2); c.833A>G, p.Glu278Gly (NM_001368272.1); c.734A>G, p.Glu245Gly (NM_001368273.1); short protein forms E245G, E278G, E400G.
Identifiers: ClinVar variation 1429614 (VCV001429614.8), dbSNP rs2118372820, ClinGen allele CA373790616.

ClinVar aggregate classification (germline): Uncertain significance (1 of 4 stars; one submission).

Conditions:
Hereditary sensory and autonomic neuropathy type 1 (HSAN1). Also called: HSAN 1; HSN Type I; Hereditary Sensory Neuropathy Type I. Identifiers: Orphanet 36386, MedGen C0020071, MONDO:0018213.

Submission:

Labcorp Genetics (formerly Invitae), Labcorp
Classification: Uncertain significance for Hereditary sensory and autonomic neuropathy type 1. Last evaluated: 2021-03-24. Review status: criteria provided, single submitter. Criteria: Invitae Variant Classification Sherloc (09022015). Collection method: clinical testing. Allele origin: germline.
Comment: Advanced modeling of protein sequence and biophysical properties (such as structural, functional, and spatial information, amino acid conservation, physicochemical variation, residue mobility, and thermodynamic stability) performed at Invitae indicates that this missense variant is expected to disrupt SPTLC1 protein function. This variant has not been reported in the literature in individuals with SPTLC1-related conditions. This variant is not present in population databases (ExAC no frequency). This sequence change replaces glutamic acid with glycine at codon 400 of the SPTLC1 protein (p.Glu400Gly). The glutamic acid residue is weakly conserved and there is a moderate physicochemical difference between glutamic acid and glycine. In summary, the available evidence is currently insufficient to determine the role of this variant in disease. Therefore, it has been classified as a Variant of Uncertain Significance.